The following is an entry in ClinVar:

ClinVar aggregate classification (germline): Uncertain significance (1 of 4 stars; one submission).

Submission:

Labcorp Genetics (formerly Invitae), Labcorp
Classification: Uncertain significance. Last evaluated: 2021-09-02. Review status: criteria provided, single submitter. Criteria: Invitae Variant Classification Sherloc (09022015). Collection method: clinical testing. Allele origin: germline.
Comment: This sequence change replaces serine with cysteine at codon 3109 of the SZT2 protein (p.Ser3109Cys). The serine residue is highly conserved and there is a moderate physicochemical difference between serine and cysteine. This variant is not present in population databases (ExAC no frequency). This variant has not been reported in the literature in individuals affected with SZT2-related conditions. Algorithms developed to predict the effect of missense changes on protein structure and function are either unavailable or do not agree on the potential impact of this missense change (SIFT: "Tolerated"; PolyPhen-2: "Probably Damaging"; Align-GVGD: "Class C15"). In summary, the available evidence is currently insufficient to determine the role of this variant in disease. Therefore, it has been classified as a Variant of Uncertain Significance.

NM_001365999.1(SZT2):c.9497C>G (p.Ser3166Cys)

Genes: SZT2-AS1 (SZT2 antisense RNA 1; minus strand), SZT2 (SZT2 subunit of KICSTOR complex; plus strand). Cytogenetic location: 1p34.2.
Variant type: single nucleotide variant.
Coding change: c.9497C>G on transcript NM_001365999.1 (MANE Select); coding-DNA position 9497, C replaced by G.
Protein change: p.Ser3166Cys; replaces serine 3166 with cysteine.
Molecular consequence: missense variant. On other transcripts: non-coding transcript variant (1).
Genome position (GRCh38, 1-based): chr1:43,447,905, C>G. VCF-style: chr1-43447905-C-G. GRCh37 (hg19) VCF-style: chr1-43913576-C-G.
Other names: c.9326C>G, p.Ser3109Cys (NM_015284.4); short protein forms S3109C, S3166C.
Identifiers: ClinVar variation 1439286 (VCV001439286.5), dbSNP rs2153936881, ClinGen allele CA340043472.